The following is an entry in ClinVar:

NM_000214.3(JAG1):c.784T>A (p.Cys262Ser)

Gene: JAG1 (jagged canonical Notch ligand 1; minus strand). Cytogenetic location: 20p12.2.
Variant type: single nucleotide variant.
Coding change: c.784T>A on transcript NM_000214.3 (MANE Select); coding-DNA position 784, T replaced by A.
Protein change: p.Cys262Ser; replaces cysteine 262 with serine.
Molecular consequence: missense variant.
Genome position (GRCh38, 1-based): chr20:10,652,570, A>T on the plus strand (T>A on the coding strand, the complement: JAG1 is on the minus strand). VCF-style: chr20-10652570-A-T. GRCh37 (hg19) VCF-style: chr20-10633218-A-T.
Other names: short protein forms C262S.
Identifiers: ClinVar variation 3573097 (VCV003573097.2).

Conditions:
Arteriohepatic dysplasia. Also called: Alagille Syndrome. Identifiers: Orphanet 52, MedGen C0085280, MeSH D016738, MONDO:0007318.

Submission:

Gilbert/Spinner Lab, Children's Hospital of Philadelphia
No classification provided (evidence only). Condition: Alagille syndrome. Review status: no classification provided. Collection method: research. Allele origin: not applicable. Functional consequence: functionally_abnormal.
ClinVar note: "not provided" was previously submitted as the classification for the variant. However, the classification appeared to be based only on an observation of functional data so it was converted to no classification on 2025-07-30.